The following is an entry in ClinVar:

NM_003172.4(SURF1):c.808_817dup (p.Gln273fs)

Gene: SURF1 (SURF1 cytochrome c oxidase assembly factor; minus strand). Cytogenetic location: 9q34.2.
Variant type: Duplication.
Coding change: c.808_817dup on transcript NM_003172.4 (MANE Select); coding-DNA positions 808 to 817, 10 bases duplicated (GAGCATCTGC; older notation c.808_817dupGAGCATCTGC).
Protein change: p.Gln273fs; shifts the reading frame from glutamine 273.
Molecular consequence: frameshift variant.
Genome position (GRCh38, 1-based): chr9:133,352,077-133,352,086, GCAGATGCTC duplicated on the plus strand (GAGCATCTGC on the coding strand, the reverse complement: SURF1 is on the minus strand); duplicating any 10 consecutive bases within chr9:133,352,077-133,352,087 gives the same sequence; the c. name uses the placement nearest the transcript's 3' end. VCF-style (leftmost placement, unchanged base first): chr9-133352076-T-TGCAGATGCTC. GRCh37 (hg19) VCF-style: chr9-136218931-T-TGCAGATGCTC.
Other names: c.481_490dup, p.Gln164fs (NM_001280787.1); short protein forms Q164fs, Q273fs.
Identifiers: ClinVar variation 2707562 (VCV002707562.3), dbSNP rs2490613548, ClinGen allele CA2697558157.

ClinVar aggregate classification (germline): Pathogenic (1 of 4 stars; one submission).

Conditions:
Leigh syndrome (NULS). Also called: Subacute necrotizing encephalopathy; Necrotizing encephalopathy infantile subacute of Leigh; LEIGH SYNDROME, NUCLEAR; Leigh's syndrome; Leigh Disease; Leigh's necrotizing encephalopathy. Identifiers: Orphanet 506, MedGen C2931891, MONDO:0009723, OMIM 256000.

Submission:

Labcorp Genetics (formerly Invitae), Labcorp
Classification: Pathogenic for Leigh syndrome. Last evaluated: 2024-01-04. Review status: criteria provided, single submitter. Criteria: Invitae Variant Classification Sherloc (09022015). Collection method: clinical testing. Allele origin: germline.
Comment: This sequence change creates a premature translational stop signal (p.Gln273Argfs*22) in the SURF1 gene. While this is not anticipated to result in nonsense mediated decay, it is expected to disrupt the last 28 amino acid(s) of the SURF1 protein. This variant is not present in population databases (gnomAD no frequency). This variant has not been reported in the literature in individuals affected with SURF1-related conditions. This variant disrupts a region of the SURF1 protein in which other variant(s) (p.Lys291*) have been determined to be pathogenic (PMID: 9837813, 25111564, 27756633). This suggests that this is a clinically significant region of the protein, and that variants that disrupt it are likely to be disease-causing. For these reasons, this variant has been classified as Pathogenic.

Literature cited by the submitters: PubMed 9837813; PubMed 25111564; PubMed 27756633.